The following is an entry in ClinVar:

NM_000264.5(PTCH1):c.4340A>G (p.Asn1447Ser)

Gene: PTCH1 (patched 1; minus strand). Cytogenetic location: 9q22.32.
Variant type: single nucleotide variant.
Coding change: c.4340A>G on transcript NM_000264.5 (MANE Select); coding-DNA position 4340, A replaced by G.
Protein change: p.Asn1447Ser; replaces asparagine 1447 with serine.
Molecular consequence: missense variant. On other transcripts: non-coding transcript variant (1).
Genome position (GRCh38, 1-based): chr9:95,446,916, T>C on the plus strand (A>G on the coding strand, the complement: PTCH1 is on the minus strand). VCF-style: chr9-95446916-T-C. GRCh37 (hg19) VCF-style: chr9-98209198-T-C.
Other names: c.4142A>G, p.Asn1381Ser (NM_001083602.3); c.4337A>G, p.Asn1446Ser (NM_001083603.3); c.3887A>G, p.Asn1296Ser (NM_001083604.3, NM_001083605.3, NM_001083606.3 and 1 more transcripts); c.4184A>G, p.Asn1395Ser (NM_001354918.2); short protein forms N1381S, N1447S, N1296S, N1395S, N1446S.
Identifiers: ClinVar variation 524520 (VCV000524520.16), dbSNP rs972576439, ClinGen allele CA196557219.

ClinVar aggregate classification (germline): Conflicting classifications of pathogenicity. Review status: criteria provided, conflicting classifications (1 of 4 stars). 4 submissions from 4 submitters: Uncertain significance (2); Likely benign (1). 1 of the submissions does not count toward it. Last evaluated 2025-10-08.

Conditions:
Hereditary cancer-predisposing syndrome. Also called: Neoplastic Syndromes, Hereditary; Tumor predisposition; Hereditary Cancer Syndrome; Hereditary neoplastic syndrome. Identifiers: Orphanet 140162, MedGen C0027672, MeSH D009386, MONDO:0015356.
Basal cell carcinoma, susceptibility to, 1. Also called: BCC1. Identifiers: MedGen C2751544, MONDO:0011556, OMIM 605462.
Gorlin syndrome. Also called: Nevoid Basal Cell Carcinoma Syndrome; Basal cell nevus syndrome. Identifiers: Orphanet 377, MedGen C0004779, MONDO:0007187.
PTCH1-related disorder. Also called: PTCH1-related disorders; PTCH1-related condition.

Allele frequency attached by ClinVar (database versions not stated): gnomAD exomes below 0.00001; TOPMed 0.00004.
gnomAD v4.1: 4 of 1,613,950 alleles (0.00025%); highest among the groups gnomAD compares: African/African-American, 0.004%; no homozygotes.

Submissions (4):

Labcorp Genetics (formerly Invitae), Labcorp
Classification: Uncertain significance for Gorlin syndrome. Last evaluated: 2025-10-08. Review status: criteria provided, single submitter. Criteria: Invitae Variant Classification Sherloc (09022015). Collection method: clinical testing. Allele origin: germline.
Comment: This sequence change replaces asparagine, which is neutral and polar, with serine, which is neutral and polar, at codon 1447 of the PTCH1 protein (p.Asn1447Ser). This variant is not present in population databases (gnomAD no frequency). This variant has not been reported in the literature in individuals affected with PTCH1-related conditions. ClinVar contains an entry for this variant (Variation ID: 524520). Invitae Evidence Modeling of protein sequence and biophysical properties (such as structural, functional, and spatial information, amino acid conservation, physicochemical variation, residue mobility, and thermodynamic stability) indicates that this missense variant is not expected to disrupt PTCH1 protein function with a negative predictive value of 95%. In summary, the available evidence is currently insufficient to determine the role of this variant in disease. Therefore, it has been classified as a Variant of Uncertain Significance.

Ambry Genetics
Classification: Likely benign for Hereditary cancer-predisposing syndrome. Last evaluated: 2025-04-21. Review status: criteria provided, single submitter. Criteria: Ambry Variant Classification Scheme 2023. Collection method: clinical testing. Allele origin: germline.

Baylor Genetics
Classification: Uncertain significance for Basal cell carcinoma, susceptibility to, 1. Last evaluated: 2023-09-21. Review status: criteria provided, single submitter. Criteria: ACMG Guidelines, 2015. Collection method: clinical testing. Allele origin: unknown.

PreventionGenetics, part of Exact Sciences
Classification: Uncertain significance for PTCH1-related condition. Last evaluated: 2024-08-25. Review status: no assertion criteria provided. Collection method: clinical testing. Allele origin: germline. Not counted in ClinVar's aggregate classification.
Comment: The PTCH1 c.4340A>G variant is predicted to result in the amino acid substitution p.Asn1447Ser. To our knowledge, this variant has not been reported in the literature or in a large population database, indicating this variant is rare. This variant is classified as a variant of uncertain significance by multiple labs in ClinVar. At this time, the clinical significance of this variant is uncertain due to the absence of conclusive functional and genetic evidence.